The following is an entry in ClinVar:

ClinVar aggregate classification (germline): Benign. Review status: criteria provided, multiple submitters, no conflicts (2 of 4 stars). 9 submissions from 9 submitters: Benign (7). 2 of the submissions do not count toward it. Last evaluated 2026-09-21.

Conditions:
Distal myopathy with posterior leg and anterior hand involvement. Also called: WILLIAMS DISTAL MYOPATHY. Identifiers: Orphanet 63273, MedGen C3279722, MONDO:0013550, OMIM 614065.
Hypertrophic cardiomyopathy 26. Also called: Cardiomyopathy, familial hypertrophic, 26. Identifiers: Orphanet 75249, MedGen C4310749, MONDO:0014883, OMIM 617047.
Myofibrillar myopathy 5. Also called: Filaminopathy (type); FILAMINOPATHY, AUTOSOMAL DOMINANT. Identifiers: Orphanet 171445, MedGen C1836050, MONDO:0012289, OMIM 609524.

Allele frequency attached by ClinVar (database versions not stated): ESP Exome Variant Server 0.31297; TOPMed 0.33220; gnomAD 0.32010 and 0.32203; 1000 Genomes Project 0.40335; 1000 Genomes Project 30x 0.40365.
gnomAD v4.1: 358,838 of 1,598,528 alleles (22%); highest among the groups gnomAD compares: African/African-American, 60%; 48,289 homozygotes.

Submissions (9):

Molecular Diagnostic Laboratory for Inherited Cardiovascular Disease, Montreal Heart Institute
Classification: Benign. Last evaluated: 2026-09-21. Review status: criteria provided, single submitter. Criteria: ACMG Guidelines, 2015. Collection method: clinical testing. Allele origin: germline. Affected: no.
Comment: BA1

Labcorp Genetics (formerly Invitae), Labcorp
Classification: Benign for Distal myopathy with posterior leg and anterior hand involvement; Myofibrillar myopathy 5; Hypertrophic cardiomyopathy 26. Last evaluated: 2026-02-04. Review status: criteria provided, single submitter. Criteria: Invitae Variant Classification Sherloc (09022015). Collection method: clinical testing. Allele origin: germline.

Blueprint Genetics
Classification: Benign. Last evaluated: 2024-11-27. Review status: criteria provided, single submitter. Criteria: ACMG Guidelines, 2015. Collection method: clinical testing. Allele origin: germline.

Women's Health and Genetics/Laboratory Corporation of America, LabCorp
Classification: Benign. Last evaluated: 2023-04-04. Review status: criteria provided, single submitter. Criteria: LabCorp Variant Classification Summary - May 2015. Collection method: clinical testing. Allele origin: germline.

GeneDx
Classification: Benign. Last evaluated: 2016-02-08. Review status: criteria provided, single submitter. Criteria: GeneDx Variant Classification (06012015). Collection method: clinical testing. Allele origin: germline. Affected: yes.
Comment: This variant is considered likely benign or benign based on one or more of the following criteria: it is a conservative change, it occurs at a poorly conserved position in the protein, it is predicted to be benign by multiple in silico algorithms, and/or has population frequency not consistent with disease.

PreventionGenetics, part of Exact Sciences
Classification: Benign. Last evaluated: 2015-12-30. Review status: criteria provided, single submitter. Criteria: ACMG Guidelines, 2015. Collection method: clinical testing. Allele origin: germline.

Breakthrough Genomics
Classification: Benign. Review status: criteria provided, single submitter. Criteria: ACMG Guidelines, 2015. Collection method: not provided. Allele origin: germline. Inheritance: Autosomal dominant inheritance. Affected: yes.

Clinical Genetics, Academic Medical Center
Classification: Benign. Review status: no assertion criteria provided. Collection method: clinical testing. Allele origin: germline. Affected: yes. Study: VKGL Data-share Consensus. Not counted in ClinVar's aggregate classification.

Joint Genome Diagnostic Labs from Nijmegen and Maastricht, Radboudumc and MUMC+
Classification: Benign. Review status: no assertion criteria provided. Collection method: clinical testing. Allele origin: germline. Affected: yes. Study: VKGL Data-share Consensus. Not counted in ClinVar's aggregate classification.

NM_001458.5(FLNC):c.5398+16T>C

Genes: FLNC (filamin C; plus strand), FLNC-AS1 (FLNC antisense RNA 1; minus strand). Cytogenetic location: 7q32.1.
Variant type: single nucleotide variant.
Coding change: c.5398+16T>C on transcript NM_001458.5 (MANE Select); 16 bases into the intron after coding-DNA position 5398, T replaced by C.
Molecular consequence: intron variant.
Genome position (GRCh38, 1-based): chr7:128,850,499, T>C. VCF-style: chr7-128850499-T-C. GRCh37 (hg19) VCF-style: chr7-128490553-T-C.
Other names: c.5299+16T>C (NM_001127487.2).
Identifiers: ClinVar variation 258148 (VCV000258148.17), dbSNP rs13227216, ClinGen allele CA4475674.
Genomic context (GRCh38, chr7:128,850,499, plus strand): 5'-TCAACCTGGTCATCCCCTTCGCGGTGCAGAAAGGGGAGCTCACAGGTACTGCCCTGTGGC[T>C]CCCAGGCATGAGGGCTGAGGGGAGAAACCCTCTTCCAGGCCCAGTCCTGTGTCTTAATGA-3'